The following is an entry in ClinVar:

ClinVar aggregate classification (germline): Uncertain significance. Review status: criteria provided, multiple submitters, no conflicts (2 of 4 stars). 2 submissions from 2 submitters: Uncertain significance (2). Last evaluated 2024-05-13.

Conditions:
Familial cancer of breast. Also called: Hereditary breast cancer; BREAST CANCER, FAMILIAL; hereditary breast carcinoma. Identifiers: Orphanet 227535, MedGen C0346153, MONDO:0016419, OMIM 114480. Disease mechanism: loss of function.

Submissions (2):

Women's Health and Genetics/Laboratory Corporation of America, LabCorp
Classification: Uncertain significance. Last evaluated: 2024-05-13. Review status: criteria provided, single submitter. Criteria: LabCorp Variant Classification Summary - May 2015. Collection method: clinical testing. Allele origin: germline.

Labcorp Genetics (formerly Invitae), Labcorp
Classification: Uncertain significance for Familial cancer of breast. Last evaluated: 2023-02-14. Review status: criteria provided, single submitter. Criteria: Invitae Variant Classification Sherloc (09022015). Collection method: clinical testing. Allele origin: germline.
Comment: In summary, the available evidence is currently insufficient to determine the role of this variant in disease. Therefore, it has been classified as a Variant of Uncertain Significance. Algorithms developed to predict the effect of missense changes on protein structure and function (SIFT, PolyPhen-2, Align-GVGD) all suggest that this variant is likely to be disruptive. ClinVar contains an entry for this variant (Variation ID: 1425379). This variant has not been reported in the literature in individuals affected with PALB2-related conditions. This variant is not present in population databases (gnomAD no frequency). This sequence change replaces tryptophan, which is neutral and slightly polar, with arginine, which is basic and polar, at codon 1140 of the PALB2 protein (p.Trp1140Arg).

NM_024675.4(PALB2):c.3418T>C (p.Trp1140Arg)

Gene: PALB2 (partner and localizer of BRCA2; minus strand). Cytogenetic location: 16p12.2.
Variant type: single nucleotide variant.
Coding change: c.3418T>C on transcript NM_024675.4 (MANE Select); coding-DNA position 3418, T replaced by C.
Protein change: p.Trp1140Arg; replaces tryptophan 1140 with arginine.
Molecular consequence: missense variant.
Genome position (GRCh38, 1-based): chr16:23,603,602, A>G on the plus strand (T>C on the coding strand, the complement: PALB2 is on the minus strand). VCF-style: chr16-23603602-A-G. GRCh37 (hg19) VCF-style: chr16-23614923-A-G.
Other names: short protein forms W1140R.
Identifiers: ClinVar variation 1425379 (VCV001425379.8), dbSNP rs62625283, ClinGen allele CA395138214.